The following is an entry in ClinVar:

ClinVar aggregate classification (germline): Likely pathogenic. Review status: criteria provided, multiple submitters, no conflicts (2 of 4 stars). 2 submissions from 2 submitters: Likely pathogenic (2). Last evaluated 2025-01-21.

Conditions:
Leukoencephalopathy with brain stem and spinal cord involvement-high lactate syndrome (LBSL). Also called: Leukoencephalopathy with Brainstem and Spinal Cord Involvement and Lactate Elevation; MITOCHONDRIAL ASPARTYL-tRNA SYNTHETASE DEFICIENCY; LEUKOENCEPHALOPATHY WITH BRAINSTEM AND SPINAL CORD INVOLVEMENT AND LACTATE ELEVATION, MILD. Identifiers: Orphanet 137898, MedGen C1970180, MONDO:0012622, OMIM 611105.

Allele frequency attached by ClinVar (database versions not stated): gnomAD exomes below 0.00001.
gnomAD v4.1: 1 of 1,613,668 alleles (0.000062%); highest among the groups gnomAD compares: East Asian, 0.0022%; no homozygotes.

Submissions (2):

Broad Center for Mendelian Genomics, Broad Institute of MIT and Harvard
Classification: Likely pathogenic for Leukoencephalopathy with brain stem and spinal cord involvement-high lactate syndrome. Last evaluated: 2025-01-21. Review status: criteria provided, single submitter. Criteria: ACMG Guidelines, 2015. Collection method: curation. Allele origin: germline. Inheritance: Autosomal recessive inheritance.
Comment: The p.Leu452Ter variant in DARS2 has not been previously reported in the literature in individuals with leukoencephalopathy with brain stem and spinal cord involvement-high lactate syndrome, but has been identified in 0.002% (1/44866) of East Asian chromosomes by the Genome Aggregation Database (gnomAD; dbSNP rs1057524364). Although this variant has been seen in the general population in a heterozygous state, its frequency is low enough to be consistent with a recessive carrier frequency. This variant has also been reported in ClinVar (Variation ID: 392120) and has been interpreted as likely pathogenic by GeneDx. This nonsense variant leads to a premature termination codon at position 452, which is predicted to lead to a truncated or absent protein. Loss of function of the DARS2 gene is an established disease mechanism in leukoencephalopathy with brain stem and spinal cord involvement-high lactate syndrome. In summary, although additional studies are required to fully establish its clinical significance, this variant is likely pathogenic for autosomal recessive leukoencephalopathy with brain stem and spinal cord involvement-high lactate syndrome. ACMG/AMP Criteria applied: PVS1, PM2_supporting (Richards 2015).

GeneDx
Classification: Likely pathogenic. Last evaluated: 2017-01-01. Review status: criteria provided, single submitter. Criteria: GeneDx Variant Classification (06012015). Collection method: clinical testing. Allele origin: germline. Affected: yes.
Comment: The L452X nonsense variant in the DARS2 gene is predicted to cause loss of normal protein function either through protein truncation or nonsense-mediated mRNA decay. Although this variant has not been reported previously to our knowledge, other loss of function variants in the DARS2 gene have previously been reported in association with LBSL; therefore, L452X is interpreted to be a likely pathogenic variant (Stenson et al., 2014).

NM_018122.5(DARS2):c.1355T>G (p.Leu452Ter)

Gene: DARS2 (aspartyl-tRNA synthetase 2, mitochondrial; plus strand). Cytogenetic location: 1q25.1.
Variant type: single nucleotide variant.
Coding change: c.1355T>G on transcript NM_018122.5 (MANE Select); coding-DNA position 1355, T replaced by G.
Protein change: p.Leu452Ter; replaces leucine 452 with a stop codon.
Molecular consequence: nonsense.
Genome position (GRCh38, 1-based): chr1:173,853,359, T>G. VCF-style: chr1-173853359-T-G. GRCh37 (hg19) VCF-style: chr1-173822497-T-G.
Other names: NM_018122.5(DARS2):c.1355T>G; p.Leu452Ter; c.1202T>G, p.Leu401Ter (NM_001365212.1); short protein forms L452*, L401*.
Identifiers: ClinVar variation 392120 (VCV000392120.3), dbSNP rs1057524364, ClinGen allele CA16603486.